The following is an entry in ClinVar:

NM_145690.3(YWHAZ):c.368G>A (p.Gly123Glu)

Gene: YWHAZ (tyrosine 3-monooxygenase/tryptophan 5-monooxygenase activation protein zeta; minus strand). Cytogenetic location: 8q22.3.
Variant type: single nucleotide variant.
Coding change: c.368G>A on transcript NM_145690.3 (MANE Select); coding-DNA position 368, G replaced by A.
Protein change: p.Gly123Glu; replaces glycine 123 with glutamic acid.
Molecular consequence: missense variant.
Genome position (GRCh38, 1-based): chr8:100,924,966, C>T on the plus strand (G>A on the coding strand, the complement: YWHAZ is on the minus strand). VCF-style: chr8-100924966-C-T. GRCh37 (hg19) VCF-style: chr8-101937194-C-T.
Other names: c.368G>A, p.Gly123Glu (NM_003406.4, NM_001135699.2, NM_001135700.2 and 2 more transcripts); short protein forms G123E.
Identifiers: ClinVar variation 4686305 (VCV004686305.1).

ClinVar aggregate classification (germline): Uncertain significance (1 of 4 stars; one submission).

Submission:

GeneDx
Classification: Uncertain significance. Last evaluated: 2025-07-16. Review status: criteria provided, single submitter. Criteria: GeneDx Variant Classification Process June 2021. Collection method: clinical testing. Allele origin: germline. Affected: yes.
Comment: Not observed at significant frequency in large population cohorts (gnomAD); In silico analysis supports that this missense variant has a deleterious effect on protein structure/function; Has not been previously published as pathogenic or benign to our knowledge